The following is an entry in ClinVar:

ClinVar aggregate classification (germline): Uncertain significance. Review status: criteria provided, multiple submitters, no conflicts (2 of 4 stars). 5 submissions from 5 submitters: Uncertain significance (5). Last evaluated 2024-12-19.

Conditions:
Hereditary cancer-predisposing syndrome. Also called: Hereditary neoplastic syndrome; Tumor predisposition; Hereditary Cancer Syndrome; Neoplastic Syndromes, Hereditary. Identifiers: Orphanet 140162, MedGen C0027672, MeSH D009386, MONDO:0015356.
Familial cancer of breast. Also called: hereditary breast carcinoma; BREAST CANCER, FAMILIAL; Hereditary breast cancer. Identifiers: Orphanet 227535, MedGen C0346153, MONDO:0016419, OMIM 114480. Disease mechanism: loss of function.
Ataxia-telangiectasia syndrome (AT). Also called: Cerebello-oculocutaneous telangiectasia; Immunodeficiency with ataxia telangiectasia; Ataxia telangiectasia (A-T); Ataxia-telangiectasia, complementation group E; LOUIS-BAR SYNDROME; Ataxia-telangiectasia. Identifiers: Orphanet 100, MedGen C0004135, MONDO:0008840, OMIM 208900.

Submissions (5):

Ambry Genetics
Classification: Uncertain significance for Hereditary cancer-predisposing syndrome. Last evaluated: 2024-12-19. Review status: criteria provided, single submitter. Criteria: Ambry Variant Classification Scheme 2023. Collection method: clinical testing. Allele origin: germline.
Comment: The p.Q368E variant (also known as c.1102C>G), located in coding exon 8 of the ATM gene, results from a C to G substitution at nucleotide position 1102. The glutamine at codon 368 is replaced by glutamic acid, an amino acid with highly similar properties. This amino acid position is highly conserved in available vertebrate species. In addition, this alteration is predicted to be tolerated by in silico analysis. Based on the available evidence, the clinical significance of this variant remains unclear.

Labcorp Genetics (formerly Invitae), Labcorp
Classification: Uncertain significance for Ataxia-telangiectasia syndrome. Last evaluated: 2024-05-20. Review status: criteria provided, single submitter. Criteria: Invitae Variant Classification Sherloc (09022015). Collection method: clinical testing. Allele origin: germline.
Comment: This sequence change replaces glutamine, which is neutral and polar, with glutamic acid, which is acidic and polar, at codon 368 of the ATM protein (p.Gln368Glu). This variant is not present in population databases (gnomAD no frequency). This variant has not been reported in the literature in individuals affected with ATM-related conditions. ClinVar contains an entry for this variant (Variation ID: 576129). An algorithm developed to predict the effect of missense changes on protein structure and function (PolyPhen-2) suggests that this variant is likely to be disruptive. In summary, the available evidence is currently insufficient to determine the role of this variant in disease. Therefore, it has been classified as a Variant of Uncertain Significance.

Baylor Genetics
Classification: Uncertain significance for Familial cancer of breast. Last evaluated: 2023-12-01. Review status: criteria provided, single submitter. Criteria: ACMG Guidelines, 2015. Collection method: clinical testing. Allele origin: unknown.

GeneDx
Classification: Uncertain significance. Last evaluated: 2020-11-09. Review status: criteria provided, single submitter. Criteria: GeneDx Variant Classification Process June 2021. Collection method: clinical testing. Allele origin: germline. Affected: yes.
Comment: Not observed in large population cohorts (Lek et al., 2016); In silico analysis supports that this missense variant does not alter protein structure/function; Has not been previously published as pathogenic or benign to our knowledge

Fulgent Genetics
Classification: Uncertain significance for Familial cancer of breast; Ataxia-telangiectasia syndrome. Last evaluated: 2018-10-31. Review status: criteria provided, single submitter. Criteria: ACMG Guidelines, 2015. Collection method: clinical testing. Allele origin: unknown.

NM_000051.4(ATM):c.1102C>G (p.Gln368Glu)

Gene: ATM (ATM serine/threonine kinase; plus strand). Cytogenetic location: 11q22.3.
Variant type: single nucleotide variant.
Coding change: c.1102C>G on transcript NM_000051.4 (MANE Select); coding-DNA position 1102, C replaced by G.
Protein change: p.Gln368Glu; replaces glutamine 368 with glutamic acid.
Molecular consequence: missense variant.
Genome position (GRCh38, 1-based): chr11:108,248,969, C>G. VCF-style: chr11-108248969-C-G. GRCh37 (hg19) VCF-style: chr11-108119696-C-G.
Other names: c.1102C>G, p.Gln368Glu (NM_001351834.2); short protein forms Q368E.
Identifiers: ClinVar variation 576129 (VCV000576129.15), dbSNP rs1565378912, ClinGen allele CA382532387.